The following is an entry in ClinVar:

NM_201596.3(CACNB2):c.594T>C (p.Ser198=)

Gene: CACNB2 (calcium voltage-gated channel auxiliary subunit beta 2; plus strand). Cytogenetic location: 10p12.31.
Variant type: single nucleotide variant.
Coding change: c.594T>C on transcript NM_201596.3 (MANE Select); coding-DNA position 594, T replaced by C.
Protein change: p.Ser198=; no amino-acid change (serine 198 retained).
Molecular consequence: synonymous variant.
Genome position (GRCh38, 1-based): chr10:18,506,471, T>C. VCF-style: chr10-18506471-T-C. GRCh37 (hg19) VCF-style: chr10-18795400-T-C.
Other names: c.429T>C, p.Ser143= (NM_000724.4, NM_001330060.2); c.510T>C, p.Ser170= (NM_001167945.2, NM_201571.4, NM_201572.4); c.450T>C, p.Ser150= (NM_001410882.1, NM_201570.3); c.432T>C, p.Ser144= (NM_201590.3); c.594T>C, p.Ser198= (NM_201593.3, NM_201597.3).
Identifiers: ClinVar variation 1739779 (VCV001739779.3), dbSNP rs200452448, ClinGen allele CA5429677.

ClinVar aggregate classification (germline): Conflicting classifications of pathogenicity. Review status: criteria provided, conflicting classifications (1 of 4 stars). 2 submissions from 2 submitters: Uncertain significance (1); Likely benign (1). Last evaluated 2025-06-25.

Conditions:
Cardiovascular phenotype. Identifiers: MedGen CN230736.
Brugada syndrome 4 (BRGDA4). Identifiers: Orphanet 130, MedGen C2678477, MONDO:0012743, OMIM 611876.

Allele frequency attached by ClinVar (database versions not stated): ExAC 0.00001; gnomAD 0.00001; gnomAD exomes 0.00001; 1000 Genomes Project 30x 0.00016; 1000 Genomes Project 0.00020.
gnomAD v4.1: 14 of 1,603,238 alleles (0.00087%); highest among the groups gnomAD compares: African/African-American, 0.0013%; no homozygotes.

Submissions (2):

Labcorp Genetics (formerly Invitae), Labcorp
Classification: Uncertain significance for Brugada syndrome 4. Last evaluated: 2025-06-25. Review status: criteria provided, single submitter. Criteria: Invitae Variant Classification Sherloc (09022015). Collection method: clinical testing. Allele origin: germline.
Comment: This sequence change affects codon 144 of the CACNB2 mRNA. It is a 'silent' change, meaning that it does not change the encoded amino acid sequence of the CACNB2 protein. It affects a nucleotide within the consensus splice site. The frequency data for this variant in the population databases is considered unreliable, as metrics indicate poor data quality at this position in the gnomAD database. This variant has not been reported in the literature in individuals affected with CACNB2-related conditions. ClinVar contains an entry for this variant (Variation ID: 1739779). Algorithms developed to predict the effect of sequence changes on RNA splicing suggest that this variant is not likely to affect RNA splicing. In summary, the available evidence is currently insufficient to determine the role of this variant in disease. Therefore, it has been classified as a Variant of Uncertain Significance.

Ambry Genetics
Classification: Likely benign for Cardiovascular phenotype. Last evaluated: 2021-05-04. Review status: criteria provided, single submitter. Criteria: Ambry Variant Classification Scheme 2023. Collection method: clinical testing. Allele origin: germline.